The following is an entry in ClinVar:

NM_032977.4(CASP10):c.922+5G>A

Gene: CASP10 (caspase 10; plus strand). Cytogenetic location: 2q33.1.
Variant type: single nucleotide variant.
Coding change: c.922+5G>A on transcript NM_032977.4 (MANE Select); 5 bases into the intron after coding-DNA position 922, G replaced by A.
Molecular consequence: intron variant.
Genome position (GRCh38, 1-based): chr2:201,208,188, G>A. VCF-style: chr2-201208188-G-A. GRCh37 (hg19) VCF-style: chr2-202072911-G-A.
Other names: c.922+5G>A (NM_032974.5); c.793+5G>A (NM_001206542.2, NM_001230.5); c.*8+5G>A (NM_032976.4); c.722-882G>A (NM_001206524.2).
Identifiers: ClinVar variation 1042593 (VCV001042593.13), dbSNP rs559244194, ClinGen allele CA2053097.

ClinVar aggregate classification (germline): Uncertain significance. Review status: criteria provided, multiple submitters, no conflicts (2 of 4 stars). 4 submissions from 4 submitters: Uncertain significance (2). 2 of the submissions do not count toward it. Last evaluated 2025-09-18.

Conditions:
Lymphoma, non-Hodgkin, familial. Identifiers: MedGen C4721532, MONDO:0011508, OMIM 605027.
Autoimmune lymphoproliferative syndrome type 2A (ALPS2A). Also called: CASP10-Related Autoimmune Lymphoproliferative Syndrome; AUTOIMMUNE LYMPHOPROLIFERATIVE SYNDROME, TYPE IIA; Autoimmune lymphoproliferative syndrome type 2. Identifiers: Orphanet 3261, MedGen C1858968, MONDO:0011383, OMIM 603909.
Gastric cancer. Also called: Stomach cancer; Malignant tumor of stomach. Identifiers: MedGen C0024623, MeSH D013274, MONDO:0001056, OMIM 613659, HP:0012126.

Allele frequency attached by ClinVar (database versions not stated): ExAC 0.00002; gnomAD exomes 0.00004 and 0.00015; gnomAD 0.00011; TOPMed 0.00012.
gnomAD v4.1: 224 of 1,610,990 alleles (0.014%); highest among the groups gnomAD compares: Non-Finnish European, 0.018%; no homozygotes.

Submissions (5):

Labcorp Genetics (formerly Invitae), Labcorp
Classification: Uncertain significance for Autoimmune lymphoproliferative syndrome type 2A. Last evaluated: 2025-09-18. Review status: criteria provided, single submitter. Criteria: Invitae Variant Classification Sherloc (09022015). Collection method: clinical testing. Allele origin: germline.
Comment: This sequence change falls in intron 8 of the CASP10 gene. It does not directly change the encoded amino acid sequence of the CASP10 protein. It affects a nucleotide within the consensus splice site. This variant is present in population databases (rs559244194, gnomAD 0.007%). This variant has not been reported in the literature in individuals affected with CASP10-related conditions. ClinVar contains an entry for this variant (Variation ID: 1042593). Variants that disrupt the consensus splice site are a relatively common cause of aberrant splicing (PMID: 17576681, 9536098). Algorithms developed to predict the effect of sequence changes on RNA splicing suggest that this variant may disrupt the consensus splice site. In summary, the available evidence is currently insufficient to determine the role of this variant in disease. Therefore, it has been classified as a Variant of Uncertain Significance.

Fulgent Genetics
Classification: Uncertain significance for Autoimmune lymphoproliferative syndrome type 2A; Lymphoma, non-Hodgkin, familial; Gastric cancer. Last evaluated: 2022-05-25. Review status: criteria provided, single submitter. Criteria: ACMG Guidelines, 2015. Collection method: clinical testing. Allele origin: unknown.

Clinical Genetics DNA and cytogenetics Diagnostics Lab, Erasmus MC, Erasmus Medical Center
Classification: Likely benign. Review status: no assertion criteria provided. Collection method: clinical testing. Allele origin: germline. Affected: yes. Study: VKGL Data-share Consensus. Not counted in ClinVar's aggregate classification.

Diagnostic Laboratory, Department of Genetics, University Medical Center Groningen
Classification: Likely benign. Review status: no assertion criteria provided. Collection method: clinical testing. Allele origin: germline. Affected: yes. Study: VKGL Data-share Consensus. Not counted in ClinVar's aggregate classification.

Dr. Peter K. Rogan Lab, Western University
No classification provided (evidence only). Condition: Acute myeloid leukemia. Review status: no classification provided. Collection method: in vitro. Allele origin: not applicable. Functional consequence: skipped exon, retained intron. Not counted in ClinVar's aggregate classification.

Literature cited by the submitters: PubMed 17576681 (cited by Labcorp Genetics (formerly Invitae), Labcorp); PubMed 9536098 (cited by Labcorp Genetics (formerly Invitae), Labcorp).